The following is an entry in ClinVar:

NM_001372.4(DNAH9):c.8598C>T (p.Ser2866=)

Gene: DNAH9 (dynein axonemal heavy chain 9; plus strand). Cytogenetic location: 17p12.
Variant type: single nucleotide variant.
Coding change: c.8598C>T on transcript NM_001372.4 (MANE Select); coding-DNA position 8598, C replaced by T.
Protein change: p.Ser2866=; no amino-acid change (serine 2866 retained).
Molecular consequence: synonymous variant.
Genome position (GRCh38, 1-based): chr17:11,810,260, C>T. VCF-style: chr17-11810260-C-T. GRCh37 (hg19) VCF-style: chr17-11713577-C-T.
Identifiers: ClinVar variation 777132 (VCV000777132.13), dbSNP rs61746800, ClinGen allele CA8396982.

ClinVar aggregate classification (germline): Benign/Likely benign. Review status: criteria provided, multiple submitters, no conflicts (2 of 4 stars). 4 submissions from 4 submitters: Benign (2); Likely benign (1). 1 of the submissions does not count toward it. Last evaluated 2026-02-03.

Conditions:
Ciliary dyskinesia, primary, 40. Also called: CILIARY DYSKINESIA, PRIMARY, 40, WITH OR WITHOUT SITUS INVERSUS. Identifiers: MedGen C4749028, MONDO:0032664, OMIM 618300.
DNAH9-related disorder. Also called: DNAH9-related condition.

Allele frequency attached by ClinVar (database versions not stated): gnomAD exomes 0.00099 and 0.00238; ExAC 0.00288; 1000 Genomes Project 0.00719; gnomAD 0.00848 and 0.00913; 1000 Genomes Project 30x 0.00906; TOPMed 0.01001; ESP Exome Variant Server 0.01107.
gnomAD v4.1: 2,824 of 1,612,634 alleles (0.18%); highest among the groups gnomAD compares: African/African-American, 2.8%; 31 homozygotes.

Submissions (4):

Labcorp Genetics (formerly Invitae), Labcorp
Classification: Benign. Last evaluated: 2026-02-03. Review status: criteria provided, single submitter. Criteria: Invitae Variant Classification Sherloc (09022015). Collection method: clinical testing. Allele origin: germline.

Fulgent Genetics
Classification: Likely benign for Ciliary dyskinesia, primary, 40. Last evaluated: 2021-07-21. Review status: criteria provided, single submitter. Criteria: ACMG Guidelines, 2015. Collection method: clinical testing. Allele origin: unknown.

Breakthrough Genomics
Classification: Benign. Review status: criteria provided, single submitter. Criteria: ACMG Guidelines, 2015. Collection method: not provided. Allele origin: germline. Inheritance: Autosomal recessive inheritance. Affected: yes.

PreventionGenetics, part of Exact Sciences
Classification: Benign for DNAH9-related condition. Last evaluated: 2019-08-01. Review status: no assertion criteria provided. Collection method: clinical testing. Allele origin: germline. Not counted in ClinVar's aggregate classification.
Comment: This variant is classified as benign based on ACMG/AMP sequence variant interpretation guidelines (Richards et al. 2015 PMID: 25741868, with internal and published modifications).